The following is an entry in ClinVar:

ClinVar aggregate classification (germline): Uncertain significance (1 of 4 stars; one submission).

Conditions:
TNF receptor-associated periodic fever syndrome (TRAPS) (FPF). Also called: FAMILIAL HIBERNIAN FEVER; TNF RECEPTOR-ASSOCIATED PERIODIC SYNDROME; TUMOR NECROSIS FACTOR RECEPTOR-ASSOCIATED PERIODIC SYNDROME; Autosomal Dominant Familial Periodic Fever; TNF Receptor-Associated Periodic Fever Syndrome; TNF receptor 1-associated periodic fever syndrome. Identifiers: Orphanet 32960, MedGen C1275126, MONDO:0007727, OMIM 142680.

Submission:

Labcorp Genetics (formerly Invitae), Labcorp
Classification: Uncertain significance for TNF receptor-associated periodic fever syndrome (TRAPS). Last evaluated: 2024-12-03. Review status: criteria provided, single submitter. Criteria: Invitae Variant Classification Sherloc (09022015). Collection method: clinical testing. Allele origin: germline.
Comment: This sequence change replaces alanine, which is neutral and non-polar, with glutamic acid, which is acidic and polar, at codon 440 of the TNFRSF1A protein (p.Ala440Glu). This variant is not present in population databases (gnomAD no frequency). This variant has not been reported in the literature in individuals affected with TNFRSF1A-related conditions. Invitae Evidence Modeling of protein sequence and biophysical properties (such as structural, functional, and spatial information, amino acid conservation, physicochemical variation, residue mobility, and thermodynamic stability) has been performed for this missense variant. However, the output from this modeling did not meet the statistical confidence thresholds required to predict the impact of this variant on TNFRSF1A protein function. In summary, the available evidence is currently insufficient to determine the role of this variant in disease. Therefore, it has been classified as a Variant of Uncertain Significance.

NM_001065.4(TNFRSF1A):c.1319C>A (p.Ala440Glu)

Gene: TNFRSF1A (TNF receptor superfamily member 1A; minus strand). Cytogenetic location: 12p13.31.
Variant type: single nucleotide variant.
Coding change: c.1319C>A on transcript NM_001065.4 (MANE Select); coding-DNA position 1319, C replaced by A.
Protein change: p.Ala440Glu; replaces alanine 440 with glutamic acid.
Molecular consequence: missense variant. On other transcripts: non-coding transcript variant (1).
Genome position (GRCh38, 1-based): chr12:6,329,361, G>T on the plus strand (C>A on the coding strand, the complement: TNFRSF1A is on the minus strand). VCF-style: chr12-6329361-G-T. GRCh37 (hg19) VCF-style: chr12-6438527-G-T.
Other names: c.995C>A, p.Ala332Glu (NM_001346091.2); c.860C>A, p.Ala287Glu (NM_001346092.2); short protein forms A287E, A440E, A332E.
Identifiers: ClinVar variation 3635056 (VCV003635056.2).